The following is an entry in ClinVar:

NM_152722.5(HEPACAM):c.614C>T (p.Thr205Ile)

Gene: HEPACAM (hepatic and glial cell adhesion molecule; minus strand). Cytogenetic location: 11q24.2.
Variant type: single nucleotide variant.
Coding change: c.614C>T on transcript NM_152722.5 (MANE Select); coding-DNA position 614, C replaced by T.
Protein change: p.Thr205Ile; replaces threonine 205 with isoleucine.
Molecular consequence: missense variant.
Genome position (GRCh38, 1-based): chr11:124,923,824, G>A on the plus strand (C>T on the coding strand, the complement: HEPACAM is on the minus strand). VCF-style: chr11-124923824-G-A. GRCh37 (hg19) VCF-style: chr11-124793720-G-A.
Other names: short protein forms T205I.
Identifiers: ClinVar variation 435410 (VCV000435410.17), dbSNP rs746134081, ClinGen allele CA6345706.

ClinVar aggregate classification (germline): Uncertain significance. Review status: criteria provided, multiple submitters, no conflicts (2 of 4 stars). 6 submissions from 6 submitters: Uncertain significance (6). Last evaluated 2025-10-24.

Conditions:
Megalencephalic leukoencephalopathy with subcortical cysts 2A. Identifiers: Orphanet 2478, MedGen C3151355, MONDO:0013490, OMIM 613925.
Megalencephalic leukoencephalopathy with subcortical cysts 2B, remitting, with or without impaired intellectual development. Also called: Megalencephalic leukoencephalopathy with subcortical cysts 2B, remitting, with or without intellectual disability. Identifiers: Orphanet 2478, MedGen C3151356, MONDO:0013491, OMIM 613926.
Megalencephalic leukoencephalopathy with subcortical cysts 1 (MLC1). Also called: LEUKOENCEPHALOPATHY WITH SWELLING AND CYSTS; VACUOLATING MEGALENCEPHALIC LEUKOENCEPHALOPATHY WITH SUBCORTICAL CYSTS. Identifiers: Orphanet 2478, MedGen C5779875, MONDO:0024555, OMIM 604004.
Inborn genetic diseases. Identifiers: MedGen C0950123, MeSH D030342.

Allele frequency attached by ClinVar (database versions not stated): ExAC 0.00001; gnomAD exomes below 0.00001.

Submissions (6):

Women's Health and Genetics/Laboratory Corporation of America, LabCorp
Classification: Uncertain significance. Last evaluated: 2025-10-24. Review status: criteria provided, single submitter. Criteria: LabCorp Variant Classification Summary - May 2015. Collection method: clinical testing. Allele origin: germline.
Comment: Variant summary: HEPACAM c.614C>T (p.Thr205Ile) results in a non-conservative amino acid change located in the Immunoglobulin-like domain (IPR007110) of the encoded protein sequence. Algorithms developed to predict the effect of missense changes on protein structure and function are either unavailable or do not agree on the potential impact of this missense change. The variant allele was found at a frequency of 6.2e-07 in 1607238 control chromosomes in the gnomAD database (v4.1 dataset). The available data on variant occurrences in the general population are insufficient to allow any conclusion about variant significance. c.614C>T has been observed in a homozygous individual affected with clinical features overlapping with HEPACAM-related disorders, such as ataxia and seizures, however no macrocephaly, and brain MRI findings were reported (Sun_2019). This report therefore does not provide unequivocal conclusions about association of the variant with Megalencephalic Leukoencephalopathy With Subcortical Cysts 2b, Remitting, With Or Without Mental Retardation. In addition, this variant has also been observed in numerous carriers, and in at least one homozygous healthy adult individual (internal data), therefore it might represent an ethnic specific polymorphism, which is underrepresented in gnomAD population data. To our knowledge, no experimental evidence demonstrating an impact on protein function has been reported. ClinVar contains an entry for this variant (Variation ID: 435410). Based on the evidence outlined above, the variant was classified as VUS-possibly benign.

Blueprint Genetics
Classification: Uncertain significance. Last evaluated: 2024-11-27. Review status: criteria provided, single submitter. Criteria: ACMG Guidelines, 2015. Collection method: clinical testing. Allele origin: germline.

Ambry Genetics
Classification: Uncertain significance for Inborn genetic diseases. Last evaluated: 2022-11-10. Review status: criteria provided, single submitter. Criteria: Ambry Variant Classification Scheme 2023. Collection method: clinical testing. Allele origin: germline.

Labcorp Genetics (formerly Invitae), Labcorp
Classification: Uncertain significance. Last evaluated: 2022-04-22. Review status: criteria provided, single submitter. Criteria: Invitae Variant Classification Sherloc (09022015). Collection method: clinical testing. Allele origin: germline.
Comment: This variant is not present in population databases (gnomAD no frequency). This sequence change replaces threonine, which is neutral and polar, with isoleucine, which is neutral and non-polar, at codon 205 of the HEPACAM protein (p.Thr205Ile). This missense change has been observed in individual(s) with autosomal recessive HEPACAM-related conditions (PMID: 29915382). In summary, the available evidence is currently insufficient to determine the role of this variant in disease. Therefore, it has been classified as a Variant of Uncertain Significance. Algorithms developed to predict the effect of missense changes on protein structure and function (SIFT, PolyPhen-2, Align-GVGD) all suggest that this variant is likely to be tolerated. ClinVar contains an entry for this variant (Variation ID: 435410).

Fulgent Genetics
Classification: Uncertain significance for Megalencephalic leukoencephalopathy with subcortical cysts 1; Megalencephalic leukoencephalopathy with subcortical cysts 2A; Megalencephalic leukoencephalopathy with subcortical cysts 2B, remitting, with or without impaired intellectual development. Last evaluated: 2018-10-31. Review status: criteria provided, single submitter. Criteria: ACMG Guidelines, 2015. Collection method: clinical testing. Allele origin: unknown.

Genetic Services Laboratory, University of Chicago
Classification: Uncertain significance. Last evaluated: 2016-10-19. Review status: criteria provided, single submitter. Criteria: ACMG Guidelines, 2015. Collection method: clinical testing. Allele origin: germline. Affected: no.

Literature cited by the submitters: PubMed 29915382 (cited by 3 submitters).